The following is an entry in ClinVar:

NM_003072.5(SMARCA4):c.3433C>T (p.Pro1145Ser)

Gene: SMARCA4 (SWI/SNF related BAF chromatin remodeling complex subunit ATPase 4; plus strand). Cytogenetic location: 19p13.2.
Variant type: single nucleotide variant.
Coding change: c.3433C>T on transcript NM_003072.5 (MANE Select); coding-DNA position 3433, C replaced by T.
Protein change: p.Pro1145Ser; replaces proline 1145 with serine.
Molecular consequence: missense variant. On other transcripts: non-coding transcript variant (1).
Genome position (GRCh38, 1-based): chr19:11,030,780, C>T. VCF-style: chr19-11030780-C-T. GRCh37 (hg19) VCF-style: chr19-11141456-C-T.
Other names: c.3433C>T, p.Pro1145Ser (NM_001128844.3, NM_001128845.2, NM_001128846.2 and 5 more transcripts); short protein forms P1145S.
Identifiers: ClinVar variation 1056723 (VCV001056723.9), dbSNP rs2146599286, ClinGen allele CA404062754.

ClinVar aggregate classification (germline): Uncertain significance (1 of 4 stars; one submission).

Conditions:
Rhabdoid tumor predisposition syndrome 2 (RTPS2). Identifiers: Orphanet 231108, Orphanet 69077, MedGen C2750074, MONDO:0013224, OMIM 613325.

Submission:

Labcorp Genetics (formerly Invitae), Labcorp
Classification: Uncertain significance for Rhabdoid tumor predisposition syndrome 2. Last evaluated: 2020-07-07. Review status: criteria provided, single submitter. Criteria: Invitae Variant Classification Sherloc (09022015). Collection method: clinical testing. Allele origin: germline.
Comment: In summary, the available evidence is currently insufficient to determine the role of this variant in disease. Therefore, it has been classified as a Variant of Uncertain Significance. Algorithms developed to predict the effect of missense changes on protein structure and function (SIFT, PolyPhen-2, Align-GVGD) all suggest that this variant is likely to be tolerated, but these predictions have not been confirmed by published functional studies and their clinical significance is uncertain. This variant has not been reported in the literature in individuals with SMARCA4-related conditions. This variant is not present in population databases (ExAC no frequency). This sequence change replaces proline with serine at codon 1145 of the SMARCA4 protein (p.Pro1145Ser). The proline residue is highly conserved and there is a moderate physicochemical difference between proline and serine.